The following is an entry in ClinVar:

ClinVar aggregate classification (germline): Uncertain significance (1 of 4 stars; one submission).

Conditions:
Peutz-Jeghers syndrome (PJS). Also called: Peutz-Jeghers polyposis; Periorificial lentiginosis syndrome; POLYPOSIS, HAMARTOMATOUS INTESTINAL; POLYPS-AND-SPOTS SYNDROME. Identifiers: Orphanet 2869, MedGen C0031269, MeSH D010580, MONDO:0008280, OMIM 175200.

Submission:

Labcorp Genetics (formerly Invitae), Labcorp
Classification: Uncertain significance for Peutz-Jeghers syndrome. Last evaluated: 2021-08-04. Review status: criteria provided, single submitter. Criteria: Invitae Variant Classification Sherloc (09022015). Collection method: clinical testing. Allele origin: germline.
Comment: In summary, the available evidence is currently insufficient to determine the role of this variant in disease. Therefore, it has been classified as a Variant of Uncertain Significance. Algorithms developed to predict the effect of missense changes on protein structure and function (SIFT, PolyPhen-2, Align-GVGD) all suggest that this variant is likely to be tolerated, but these predictions have not been confirmed by published functional studies and their clinical significance is uncertain. This variant has not been reported in the literature in individuals with STK11-related conditions. The frequency data for this variant in the population databases is considered unreliable, as metrics indicate insufficient coverage at this position in the ExAC database. This sequence change replaces serine with arginine at codon 422 of the STK11 protein (p.Ser422Arg). The serine residue is moderately conserved and there is a moderate physicochemical difference between serine and arginine.

NM_000455.5(STK11):c.1266C>G (p.Ser422Arg)

Gene: STK11 (serine/threonine kinase 11; plus strand). Cytogenetic location: 19p13.3.
Variant type: single nucleotide variant.
Coding change: c.1266C>G on transcript NM_000455.5 (MANE Select); coding-DNA position 1266, C replaced by G.
Protein change: p.Ser422Arg; replaces serine 422 with arginine.
Molecular consequence: missense variant.
Genome position (GRCh38, 1-based): chr19:1,226,611, C>G. VCF-style: chr19-1226611-C-G. GRCh37 (hg19) VCF-style: chr19-1226610-C-G.
Other names: short protein forms S422R.
Identifiers: ClinVar variation 1016338 (VCV001016338.8), dbSNP rs751352435, ClinGen allele CA402954118.